The following is an entry in ClinVar:

ClinVar aggregate classification (germline): Conflicting classifications of pathogenicity. Review status: criteria provided, conflicting classifications (1 of 4 stars). 2 submissions from 2 submitters: Uncertain significance (1); Benign (1). Last evaluated 2023-09-29.

Allele frequency attached by ClinVar (database versions not stated): TOPMed below 0.00001; gnomAD exomes 0.00002 and 0.00004; ExAC 0.00004.
gnomAD v4.1: 28 of 1,614,166 alleles (0.0017%); highest among the groups gnomAD compares: East Asian, 0.033%; no homozygotes.

Submissions (2):

Labcorp Genetics (formerly Invitae), Labcorp
Classification: Uncertain significance. Last evaluated: 2023-09-29. Review status: criteria provided, single submitter. Criteria: Invitae Variant Classification Sherloc (09022015). Collection method: clinical testing. Allele origin: germline.
Comment: ClinVar contains an entry for this variant (Variation ID: 1242500). In summary, the available evidence is currently insufficient to determine the role of this variant in disease. Therefore, it has been classified as a Variant of Uncertain Significance. An algorithm developed to predict the effect of missense changes on protein structure and function (PolyPhen-2) suggests that this variant is likely to be disruptive. This variant is also known as c.448C>T (p.Arg150Cys). This missense change has been observed in individual(s) with neurodevelopmental disorder (PMID: 33004838). This variant is present in population databases (rs750265500, gnomAD 0.05%). This sequence change replaces arginine, which is basic and polar, with cysteine, which is neutral and slightly polar, at codon 91 of the PPP2R5D protein (p.Arg91Cys).

GeneDx
Classification: Benign. Last evaluated: 2019-08-13. Review status: criteria provided, single submitter. Criteria: GeneDx Variant Classification Process June 2021. Collection method: clinical testing. Allele origin: germline. Affected: yes.

Literature cited by the submitters: PubMed 33004838 (cited by Labcorp Genetics (formerly Invitae), Labcorp).

NM_006245.4(PPP2R5D):c.271C>T (p.Arg91Cys)

Gene: PPP2R5D (protein phosphatase 2 regulatory subunit B'delta; plus strand). Cytogenetic location: 6p21.1.
Variant type: single nucleotide variant.
Coding change: c.271C>T on transcript NM_006245.4 (MANE Select); coding-DNA position 271, C replaced by T.
Protein change: p.Arg91Cys; replaces arginine 91 with cysteine.
Molecular consequence: missense variant. On other transcripts: 5 prime UTR variant (1), intron variant (2).
Genome position (GRCh38, 1-based): chr6:43,006,628, C>T. VCF-style: chr6-43006628-C-T. GRCh37 (hg19) VCF-style: chr6-42974366-C-T.
Other names: c.-183C>T (NM_001270476.2); c.249+22C>T (NM_180976.3); c.28-306C>T (NM_180977.3); short protein forms R91C.
Identifiers: ClinVar variation 1242500 (VCV001242500.7), dbSNP rs750265500, ClinGen allele CA3811784.